The following is an entry in ClinVar:

ClinVar aggregate classification (germline): Uncertain significance (1 of 4 stars; one submission).

Conditions:
Autosomal recessive limb-girdle muscular dystrophy type 2J (LGMDR10). Also called: Limb-girdle muscular dystrophy, type 2J; MUSCULAR DYSTROPHY, LIMB-GIRDLE, AUTOSOMAL RECESSIVE 10. Identifiers: Orphanet 140922, MedGen C1837342, MONDO:0012127, OMIM 608807.
Dilated cardiomyopathy 1G (CMD1G). Identifiers: Orphanet 154, MedGen C1858763, MONDO:0011400, OMIM 604145.

Submission:

Labcorp Genetics (formerly Invitae), Labcorp
Classification: Uncertain significance for Dilated cardiomyopathy 1G; Autosomal recessive limb-girdle muscular dystrophy type 2J. Last evaluated: 2025-01-01. Review status: criteria provided, single submitter. Criteria: Invitae Variant Classification Sherloc (09022015). Collection method: clinical testing. Allele origin: germline.
Comment: This sequence change replaces lysine, which is basic and polar, with asparagine, which is neutral and polar, at codon 34099 of the TTN protein (p.Lys34099Asn). This variant is present in population databases (rs772381654, gnomAD 0.0009%). This variant has not been reported in the literature in individuals affected with TTN-related conditions. Experimental studies and prediction algorithms are not available or were not evaluated, and the functional significance of this variant is currently unknown. This variant is located in the M band of TTN (PMID: 25589632). Non-truncating variants in this region may be relevant for neuromuscular disorders, but have not been definitively shown to cause cardiomyopathy (PMID: 23975875). In summary, the available evidence is currently insufficient to determine the role of this variant in disease. Therefore, it has been classified as a Variant of Uncertain Significance.

Literature cited by the submitters: PubMed 25589632; PubMed 23975875.

NM_001267550.2(TTN):c.102297G>C (p.Lys34099Asn)

Genes: TTN (titin; minus strand), TTN-AS1 (TTN antisense RNA 1; plus strand). Cytogenetic location: 2q31.2.
Variant type: single nucleotide variant.
Coding change: c.102297G>C on transcript NM_001267550.2 (MANE Select); coding-DNA position 102297, G replaced by C.
Protein change: p.Lys34099Asn; replaces lysine 34099 with asparagine.
Molecular consequence: missense variant.
Genome position (GRCh38, 1-based): chr2:178,534,318, C>G on the plus strand (G>C on the coding strand, the complement: TTN is on the minus strand). VCF-style: chr2-178534318-C-G. GRCh37 (hg19) VCF-style: chr2-179399045-C-G.
Other names: c.97374G>C, p.Lys32458Asn (NM_001256850.1); c.75102G>C, p.Lys25034Asn (NM_003319.4); c.94593G>C, p.Lys31531Asn (NM_133378.4); c.75477G>C, p.Lys25159Asn (NM_133432.3); c.75678G>C, p.Lys25226Asn (NM_133437.4); short protein forms K25034N, K25159N, K25226N, K31531N, K32458N, K34099N.
Identifiers: ClinVar variation 3761642 (VCV003761642.2).